The following is an entry in ClinVar:

NM_006846.4(SPINK5):c.3077T>G (p.Met1026Arg)

Gene: SPINK5 (serine peptidase inhibitor Kazal type 5; plus strand). Cytogenetic location: 5q32.
Variant type: single nucleotide variant.
Coding change: c.3077T>G on transcript NM_006846.4 (MANE Select); coding-DNA position 3077, T replaced by G.
Protein change: p.Met1026Arg; replaces methionine 1026 with arginine.
Molecular consequence: missense variant.
Genome position (GRCh38, 1-based): chr5:148,131,371, T>G. VCF-style: chr5-148131371-T-G. GRCh37 (hg19) VCF-style: chr5-147510934-T-G.
Other names: c.3167T>G, p.Met1056Arg (NM_001127698.2); short protein forms M1026R, M1056R.
Identifiers: ClinVar variation 641513 (VCV000641513.8), dbSNP rs373251772, ClinGen allele CA3496232.

ClinVar aggregate classification (germline): Uncertain significance. Review status: criteria provided, multiple submitters, no conflicts (2 of 4 stars). 2 submissions from 2 submitters: Uncertain significance (2). Last evaluated 2025-05-07.

Conditions:
Netherton syndrome (NETH). Also called: NETHERTON DISEASE; ERYTHRODERMA, ICHTHYOSIFORM, WITH HYPOTRICHOSIS AND HYPER-IgE; COMEL-NETHERTON SYNDROME. Identifiers: Orphanet 634, MedGen C5574950, MONDO:0009735, OMIM 256500.
Inborn genetic diseases. Identifiers: MedGen C0950123, MeSH D030342.

Allele frequency attached by ClinVar (database versions not stated): gnomAD 0.00004; TOPMed 0.00006; ESP Exome Variant Server 0.00008; ExAC 0.00010; gnomAD exomes 0.00011.

Submissions (2):

Ambry Genetics
Classification: Uncertain significance for Inborn genetic diseases. Last evaluated: 2025-05-07. Review status: criteria provided, single submitter. Criteria: Ambry Variant Classification Scheme 2023. Collection method: clinical testing. Allele origin: germline.

Labcorp Genetics (formerly Invitae), Labcorp
Classification: Uncertain significance for Ichthyosis linearis circumflexa. Last evaluated: 2022-08-10. Review status: criteria provided, single submitter. Criteria: Invitae Variant Classification Sherloc (09022015). Collection method: clinical testing. Allele origin: germline.
Comment: This sequence change replaces methionine, which is neutral and non-polar, with arginine, which is basic and polar, at codon 1026 of the SPINK5 protein (p.Met1026Arg). This variant is present in population databases (rs373251772, gnomAD 0.1%). This variant has not been reported in the literature in individuals affected with SPINK5-related conditions. ClinVar contains an entry for this variant (Variation ID: 641513). Algorithms developed to predict the effect of missense changes on protein structure and function output the following: SIFT: "Deleterious"; PolyPhen-2: "Probably Damaging"; Align-GVGD: "Class C0". The arginine amino acid residue is found in multiple mammalian species, which suggests that this missense change does not adversely affect protein function. Algorithms developed to predict the effect of sequence changes on RNA splicing suggest that this variant may create or strengthen a splice site. In summary, the available evidence is currently insufficient to determine the role of this variant in disease. Therefore, it has been classified as a Variant of Uncertain Significance.